The following is an entry in ClinVar:

NM_001042492.3(NF1):c.7172T>A (p.Val2391Asp)

Gene: NF1 (neurofibromin 1; plus strand). Cytogenetic location: 17q11.2.
Variant type: single nucleotide variant.
Coding change: c.7172T>A on transcript NM_001042492.3 (MANE Select); coding-DNA position 7172, T replaced by A.
Protein change: p.Val2391Asp; replaces valine 2391 with aspartic acid.
Molecular consequence: missense variant.
Genome position (GRCh38, 1-based): chr17:31,343,118, T>A. VCF-style: chr17-31343118-T-A. GRCh37 (hg19) VCF-style: chr17-29670136-T-A.
Other names: c.7109T>A, p.Val2370Asp (NM_000267.4); short protein forms V2391D, V2370D.
Identifiers: ClinVar variation 845183 (VCV000845183.6), dbSNP rs2069869918, ClinGen allele CA399015754.
Genomic context (GRCh38, chr17:31,343,118, plus strand): 5'-GCAAGCAAATGGATCATTTTGTTGGACTCAATTTCAACTCTAACTTTAACTTTGCATTGG[T>A]TGGACACCTTTTAAAAGGTAAAAAAGCCTTATTTAGAATATTTTTATGAAGTACTATTAA-3'
Protein context (NP_001035957.1, residues 2381-2401): NFNSNFNFAL[Val2391Asp]GHLLKGYRHP

ClinVar aggregate classification (germline): Likely pathogenic (1 of 4 stars; one submission).

Conditions:
Neurofibromatosis, type 1 (NF1). Also called: Peripheral type neurofibromatosis; VON RECKLINGHAUSEN DISEASE; Neurofibromatosis, type I; NEUROFIBROMATOSIS, TYPE I, SOMATIC. Identifiers: Orphanet 636, MedGen C0027831, MONDO:0018975, OMIM 162200. Disease mechanism: loss of function.

Submission:

Labcorp Genetics (formerly Invitae), Labcorp
Classification: Likely pathogenic for Neurofibromatosis, type 1. Last evaluated: 2019-05-02. Review status: criteria provided, single submitter. Criteria: Invitae Variant Classification Sherloc (09022015). Collection method: clinical testing. Allele origin: germline.
Comment: Algorithms developed to predict the effect of missense changes on protein structure and function are either unavailable or do not agree on the potential impact of this missense change (SIFT: "Deleterious"; PolyPhen-2: "Possibly Damaging"; Align-GVGD: "Class C0"). This variant has been observed to segregate with neurofibromatosis type 1 in a family (PMID: 23954459). This variant is not present in population databases (ExAC no frequency). This sequence change replaces valine with aspartic acid at codon 2370 of the NF1 protein (p.Val2370Asp). The valine residue is moderately conserved and there is a large physicochemical difference between valine and aspartic acid. In summary, the currently available evidence indicates that the variant is pathogenic, but additional data are needed to prove that conclusively. Therefore, this variant has been classified as Likely Pathogenic.

Literature cited by the submitters: PubMed 23954459.